The following is an entry in ClinVar:

NM_173728.4(ARHGEF15):c.689G>A (p.Gly230Asp)

Gene: ARHGEF15 (Rho guanine nucleotide exchange factor 15; plus strand). Cytogenetic location: 17p13.1.
Variant type: single nucleotide variant.
Coding change: c.689G>A on transcript NM_173728.4 (MANE Select); coding-DNA position 689, G replaced by A.
Protein change: p.Gly230Asp; replaces glycine 230 with aspartic acid.
Molecular consequence: missense variant.
Genome position (GRCh38, 1-based): chr17:8,313,009, G>A. VCF-style: chr17-8313009-G-A. GRCh37 (hg19) VCF-style: chr17-8216327-G-A.
Other names: c.689G>A, p.Gly230Asp (NM_025014.2); short protein forms G230D.
Identifiers: ClinVar variation 940566 (VCV000940566.10), dbSNP rs548334478, ClinGen allele CA398015691.

ClinVar aggregate classification (germline): Uncertain significance (1 of 4 stars; one submission).

Conditions:
Early-infantile DEE. Also called: Early infantile epileptic encephalopathy; Ohtahara syndrome; Early infantile epileptic encephalopathy with suppression bursts. Identifiers: Orphanet 1934, MedGen C0393706, MONDO:0800491.

Submission:

Labcorp Genetics (formerly Invitae), Labcorp
Classification: Uncertain significance for Early-infantile DEE. Last evaluated: 2022-10-17. Review status: criteria provided, single submitter. Criteria: Invitae Variant Classification Sherloc (09022015). Collection method: clinical testing. Allele origin: germline.
Comment: In summary, the available evidence is currently insufficient to determine the role of this variant in disease. Therefore, it has been classified as a Variant of Uncertain Significance. Algorithms developed to predict the effect of missense changes on protein structure and function output the following: SIFT: "Tolerated"; PolyPhen-2: "Benign"; Align-GVGD: "Class C0". The aspartic acid amino acid residue is found in multiple mammalian species, which suggests that this missense change does not adversely affect protein function. ClinVar contains an entry for this variant (Variation ID: 940566). This variant has not been reported in the literature in individuals affected with ARHGEF15-related conditions. This variant is not present in population databases (gnomAD no frequency). This sequence change replaces glycine, which is neutral and non-polar, with aspartic acid, which is acidic and polar, at codon 230 of the ARHGEF15 protein (p.Gly230Asp).